The following is an entry in ClinVar:

NM_000444.6(PHEX):c.1966-2A>C

Genes: PHEX (phosphate regulating endopeptidase X-linked; plus strand), PTCHD1-AS (PTCHD1 and PHEX antisense RNA; minus strand). Cytogenetic location: Xp22.11.
Variant type: single nucleotide variant.
Coding change: c.1966-2A>C on transcript NM_000444.6 (MANE Select); the canonical splice acceptor site of the intron before coding-DNA position 1966, A replaced by C.
Molecular consequence: splice acceptor variant. On other transcripts: non-coding transcript variant (1).
Genome position (GRCh38, 1-based): chrX:22,227,505, A>C. VCF-style: chrX-22227505-A-C. GRCh37 (hg19) VCF-style: chrX-22245622-A-C.
Other names: c.1966-2A>C (NM_001282754.2).
Identifiers: ClinVar variation 1952985 (VCV001952985.5), dbSNP rs2518676542, ClinGen allele CA412574275.

ClinVar aggregate classification (germline): Pathogenic (1 of 4 stars; one submission).

Submission:

Labcorp Genetics (formerly Invitae), Labcorp
Classification: Pathogenic. Last evaluated: 2022-09-21. Review status: criteria provided, single submitter. Criteria: Invitae Variant Classification Sherloc (09022015). Collection method: clinical testing. Allele origin: germline.
Comment: For these reasons, this variant has been classified as Pathogenic. Algorithms developed to predict the effect of sequence changes on RNA splicing suggest that this variant may disrupt the consensus splice site. Disruption of this splice site has been observed in individuals with X-linked hypophosphatemia (PMID: 30682568). This variant is not present in population databases (gnomAD no frequency). This sequence change affects an acceptor splice site in intron 19 of the PHEX gene. It is expected to disrupt RNA splicing. Variants that disrupt the donor or acceptor splice site typically lead to a loss of protein function (PMID: 16199547), and loss-of-function variants in PHEX are known to be pathogenic (PMID: 9097956, 9106524, 19219621).

Literature cited by the submitters: PubMed 30682568; PubMed 16199547; PubMed 9097956; PubMed 9106524; PubMed 19219621.